The following is an entry in ClinVar:

ClinVar aggregate classification (germline): Uncertain significance (1 of 4 stars; one submission).

Submission:

Labcorp Genetics (formerly Invitae), Labcorp
Classification: Uncertain significance. Last evaluated: 2022-08-31. Review status: criteria provided, single submitter. Criteria: Invitae Variant Classification Sherloc (09022015). Collection method: clinical testing. Allele origin: germline.
Comment: In summary, the available evidence is currently insufficient to determine the role of this variant in disease. Therefore, it has been classified as a Variant of Uncertain Significance. Algorithms developed to predict the effect of missense changes on protein structure and function are either unavailable or do not agree on the potential impact of this missense change (SIFT: "Not Available"; PolyPhen-2: "Benign"; Align-GVGD: "Not Available"). ClinVar contains an entry for this variant (Variation ID: 1354212). This variant has not been reported in the literature in individuals affected with DNAJC21-related conditions. Information on the frequency of this variant in the gnomAD database is not available, as this variant may be reported differently in the database. This sequence change replaces arginine, which is basic and polar, with glutamine, which is neutral and polar, at codon 12 of the DNAJC21 protein (p.Arg12Gln).

NM_001012339.3(DNAJC21):c.35_36delinsAG (p.Arg12Gln)

Genes: DNAJC21 (DnaJ heat shock protein family (Hsp40) member C21; plus strand), LOC129993792 (ATAC-STARR-seq lymphoblastoid silent region 15969; plus strand). Cytogenetic location: 5p13.2.
Variant type: Indel.
Coding change: c.35_36delinsAG on transcript NM_001012339.3 (MANE Select); coding-DNA positions 35 to 36, GC replaced by AG.
Protein change: p.Arg12Gln; replaces arginine 12 with glutamine.
Molecular consequence: missense variant.
Genome position (GRCh38, 1-based): chr5:34,929,854-34,929,855, GC replaced by AG. VCF-style: chr5-34929854-GC-AG. GRCh37 (hg19) VCF-style: chr5-34929959-GC-AG.
Other names: c.35_36delinsAG, p.Arg12Gln (NM_001348420.2, NM_194283.4); short protein forms R12Q.
Identifiers: ClinVar variation 1354212 (VCV001354212.8), dbSNP rs2112004957, ClinGen allele CA2573139556.